The following is an entry in ClinVar:

NM_172364.5(CACNA2D4):c.3267G>T (p.Lys1089Asn)

Gene: CACNA2D4 (calcium voltage-gated channel auxiliary subunit alpha2delta 4; minus strand). Cytogenetic location: 12p13.33.
Variant type: single nucleotide variant.
Coding change: c.3267G>T on transcript NM_172364.5 (MANE Select); coding-DNA position 3267, G replaced by T.
Protein change: p.Lys1089Asn; replaces lysine 1089 with asparagine.
Molecular consequence: missense variant.
Genome position (GRCh38, 1-based): chr12:1,795,341, C>A on the plus strand (G>T on the coding strand, the complement: CACNA2D4 is on the minus strand). VCF-style: chr12-1795341-C-A. GRCh37 (hg19) VCF-style: chr12-1904507-C-A.
Other names: short protein forms K1089N.
Identifiers: ClinVar variation 1035087 (VCV001035087.8), dbSNP rs1340936557, ClinGen allele CA383348056.

ClinVar aggregate classification (germline): Uncertain significance (1 of 4 stars; one submission).

Allele frequency attached by ClinVar (database versions not stated): gnomAD exomes below 0.00001.
gnomAD v4.1: 1 of 1,612,708 alleles (0.000062%); highest among the groups gnomAD compares: South Asian, 0.0011%; no homozygotes.

Submission:

Labcorp Genetics (formerly Invitae), Labcorp
Classification: Uncertain significance. Last evaluated: 2020-03-11. Review status: criteria provided, single submitter. Criteria: Invitae Variant Classification Sherloc (09022015). Collection method: clinical testing. Allele origin: germline.
Comment: In summary, the available evidence is currently insufficient to determine the role of this variant in disease. Therefore, it has been classified as a Variant of Uncertain Significance. Algorithms developed to predict the effect of missense changes on protein structure and function are either unavailable or do not agree on the potential impact of this missense change (SIFT: "Deleterious"; PolyPhen-2: "Possibly Damaging"; Align-GVGD: "Class C0"). This variant has not been reported in the literature in individuals with CACNA2D4-related conditions. This variant is not present in population databases (ExAC no frequency). This sequence change replaces lysine with asparagine at codon 1089 of the CACNA2D4 protein (p.Lys1089Asn). The lysine residue is moderately conserved and there is a moderate physicochemical difference between lysine and asparagine.